The following is an entry in ClinVar:

ClinVar aggregate classification (germline): Uncertain significance (1 of 4 stars; one submission).

Conditions:
Spermatogenic failure 18. Identifiers: MedGen C4539783, MONDO:0054615, OMIM 617576.
Ciliary dyskinesia, primary, 37 (CILD37). Also called: CILIARY DYSKINESIA, PRIMARY, 37, WITH OR WITHOUT SITUS INVERSUS. Identifiers: MedGen C4539798, MONDO:0033204, OMIM 617577.

Submission:

Labcorp Genetics (formerly Invitae), Labcorp
Classification: Uncertain significance for Ciliary dyskinesia, primary, 37; Spermatogenic failure 18. Last evaluated: 2024-05-13. Review status: criteria provided, single submitter. Criteria: Invitae Variant Classification Sherloc (09022015). Collection method: clinical testing. Allele origin: germline.
Comment: This sequence change falls in intron 66 of the DNAH1 gene. It does not directly change the encoded amino acid sequence of the DNAH1 protein. It affects a nucleotide within the consensus splice site. This variant is not present in population databases (gnomAD no frequency). This variant has not been reported in the literature in individuals affected with DNAH1-related conditions. Variants that disrupt the consensus splice site are a relatively common cause of aberrant splicing (PMID: 17576681, 9536098). Algorithms developed to predict the effect of sequence changes on RNA splicing suggest that this variant is not likely to affect RNA splicing. In summary, the available evidence is currently insufficient to determine the role of this variant in disease. Therefore, it has been classified as a Variant of Uncertain Significance.

Literature cited by the submitters: PubMed 17576681; PubMed 9536098.

NM_015512.5(DNAH1):c.10627-3C>T

Gene: DNAH1 (dynein axonemal heavy chain 1; plus strand). Cytogenetic location: 3p21.1.
Variant type: single nucleotide variant.
Coding change: c.10627-3C>T on transcript NM_015512.5 (MANE Select); 3 bases into the intron before coding-DNA position 10627, C replaced by T.
Molecular consequence: intron variant.
Genome position (GRCh38, 1-based): chr3:52,394,462, C>T. VCF-style: chr3-52394462-C-T. GRCh37 (hg19) VCF-style: chr3-52428478-C-T.
Identifiers: ClinVar variation 3758778 (VCV003758778.2).